The following is an entry in ClinVar:

NM_001009944.3(PKD1):c.8302G>T (p.Val2768Leu)

Gene: PKD1 (polycystin 1, transient receptor potential channel interacting; minus strand). Cytogenetic location: 16p13.3.
Variant type: single nucleotide variant.
Coding change: c.8302G>T on transcript NM_001009944.3 (MANE Select); coding-DNA position 8302, G replaced by T.
Protein change: p.Val2768Leu; replaces valine 2768 with leucine.
Molecular consequence: missense variant.
Genome position (GRCh38, 1-based): chr16:2,103,755, C>A on the plus strand (G>T on the coding strand, the complement: PKD1 is on the minus strand). VCF-style: chr16-2103755-C-A. GRCh37 (hg19) VCF-style: chr16-2153756-C-A.
Other names: c.8302G>T, p.Val2768Leu (NM_000296.4); c.8302G>T (NM_001009944.2); short protein forms V2768L.
Identifiers: ClinVar variation 1527896 (VCV001527896.4), dbSNP rs1456510041, ClinGen allele CA394364725.
Genomic context (GRCh38, chr16:2,103,755, plus strand): 5'-AGCGCTTGCCCTGGGCCACGATCTCCTCGCCCGCCAGCGTCAGGGGCTCCTCGTTGAGCA[C>A]GCGGGAGCGCATGAGGATGCGCATGAGGGCAGAGGTCAGGTTGTAGGCCTGGGACGCCAC-3'
Protein context (NP_001009944.3, residues 2758-2778): ALMRILMRSR[Val2768Leu]LNEEPLTLAG

ClinVar aggregate classification (germline): Conflicting classifications of pathogenicity. Review status: criteria provided, conflicting classifications (1 of 4 stars). 4 submissions from 4 submitters: Likely pathogenic (1); Uncertain significance (3). Last evaluated 2025-09-30.

Conditions:
Polycystic kidney disease, adult type (PKD1). Also called: POLYCYSTIC KIDNEY DISEASE 1 WITH OR WITHOUT POLYCYSTIC LIVER DISEASE; Polycystic Kidney Disease 1, Autosomal Dominant; Polycystic kidney disease 1; Polycystic kidney disease 1, severe; Polycystic Kidney, Autosomal Dominant; POLYCYSTIC KIDNEY DISEASE, ADULT, TYPE I. Identifiers: MedGen C3149841, MONDO:0008263, OMIM 173900.

Submissions (4):

Women's Health and Genetics/Laboratory Corporation of America, LabCorp
Classification: Uncertain significance. Last evaluated: 2025-09-30. Review status: criteria provided, single submitter. Criteria: LabCorp Variant Classification Summary - May 2015. Collection method: clinical testing. Allele origin: germline.
Comment: Variant summary: PKD1 c.8302G>T (p.Val2768Leu) results in a conservative amino acid change in the encoded protein sequence. Algorithms developed to predict the effect of missense changes on protein structure and function are either unavailable or do not agree on the potential impact of this missense change. The variant was absent in 246906 control chromosomes. The available data on variant occurrences in the general population are insufficient to allow any conclusion about variant significance. To our knowledge, no occurrence of c.8302G>T in individuals affected with PKD1-related conditions and no experimental evidence demonstrating its impact on protein function have been reported. ClinVar contains an entry for this variant (Variation ID: 1527896). Based on the evidence outlined above, the variant was classified as uncertain significance.

Fulgent Genetics
Classification: Uncertain significance for Polycystic kidney disease, adult type. Last evaluated: 2024-04-19. Review status: criteria provided, single submitter. Criteria: ACMG Guidelines, 2015. Collection method: clinical testing. Allele origin: germline.

GeneDx
Classification: Uncertain significance. Last evaluated: 2022-07-08. Review status: criteria provided, single submitter. Criteria: GeneDx Variant Classification Process June 2021. Collection method: clinical testing. Allele origin: germline. Affected: yes.
Comment: Not observed at significant frequency in large population cohorts (gnomAD); In silico analysis supports that this missense variant does not alter protein structure/function; Has not been previously published as pathogenic or benign to our knowledge

MVZ Martinsried, Medicover Genetics
Classification: Likely pathogenic for Polycystic kidney disease, adult type. Last evaluated: 2022-02-23. Review status: criteria provided, single submitter. Criteria: ACGS Guidelines, 2020. Collection method: clinical testing. Allele origin: unknown. Affected: yes.